The following is an entry in ClinVar:

ClinVar aggregate classification (germline): Benign. Review status: criteria provided, single submitter (1 of 4 stars). 2 submissions from 2 submitters: Benign (1). 1 of the submissions does not count toward it. Last evaluated 2025-07-31.

Conditions:
TNS2-related disorder. Also called: TNS2-related condition.

Allele frequency attached by ClinVar (database versions not stated): gnomAD exomes 0.00008; ExAC 0.00021; 1000 Genomes Project 30x 0.00031; 1000 Genomes Project 0.00040; gnomAD 0.00077; ESP Exome Variant Server 0.00085; TOPMed 0.00100.
gnomAD v4.1: 237 of 1,614,132 alleles (0.015%); highest among the groups gnomAD compares: African/African-American, 0.28%; no homozygotes.

Submissions (2):

Labcorp Genetics (formerly Invitae), Labcorp
Classification: Benign. Last evaluated: 2025-07-31. Review status: criteria provided, single submitter. Criteria: Invitae Variant Classification Sherloc (09022015). Collection method: clinical testing. Allele origin: germline.

PreventionGenetics, part of Exact Sciences
Classification: Likely benign for TNS2-related condition. Last evaluated: 2019-04-02. Review status: no assertion criteria provided. Collection method: clinical testing. Allele origin: germline. Not counted in ClinVar's aggregate classification.
Comment: This variant is classified as likely benign based on ACMG/AMP sequence variant interpretation guidelines (Richards et al. 2015 PMID: 25741868, with internal and published modifications).

NM_170754.4(TNS2):c.3621G>A (p.Gly1207=)

Gene: TNS2 (tensin 2; plus strand). Cytogenetic location: 12q13.13.
Variant type: single nucleotide variant.
Coding change: c.3621G>A on transcript NM_170754.4 (MANE Select); coding-DNA position 3621, G replaced by A.
Protein change: p.Gly1207=; no amino-acid change (glycine 1207 retained).
Molecular consequence: synonymous variant.
Genome position (GRCh38, 1-based): chr12:53,062,199, G>A. VCF-style: chr12-53062199-G-A. GRCh37 (hg19) VCF-style: chr12-53455983-G-A.
Other names: c.3621G>A, p.Gly1207= (NM_001416202.1); c.3579G>A, p.Gly1193= (NM_001416203.1); c.3648G>A, p.Gly1216= (NM_001416204.1); c.3552G>A, p.Gly1184= (NM_015319.3); c.3249G>A, p.Gly1083= (NM_198316.2); c.3651G>A (NM_015319.2).
Identifiers: ClinVar variation 2043901 (VCV002043901.6), dbSNP rs150412504, ClinGen allele CA6592918.